The following is an entry in ClinVar:

NM_000294.3(PHKG2):c.265dup (p.His89fs)

Gene: PHKG2 (phosphorylase kinase catalytic subunit gamma 2; plus strand). Cytogenetic location: 16p11.2.
Variant type: Duplication.
Coding change: c.265dup on transcript NM_000294.3 (MANE Select); coding-DNA position 265, one base duplicated (C; older notation c.265dupC).
Protein change: p.His89fs; shifts the reading frame from histidine 89.
Molecular consequence: frameshift variant.
Genome position (GRCh38, 1-based): chr16:30,751,275, C duplicated; the last of 5 consecutive C bases (chr16:30,751,271-30,751,275); duplicating any one gives the same sequence. VCF-style (leftmost placement, unchanged base first): chr16-30751270-A-AC. GRCh37 (hg19) VCF-style: chr16-30762591-A-AC.
Other names: c.265dup, p.His89fs (NM_001172432.2); short protein forms H89fs.
Identifiers: ClinVar variation 13625 (VCV000013625.4), dbSNP rs764699954, ClinGen allele CA8013067.

ClinVar aggregate classification (germline): Pathogenic. Review status: criteria provided, single submitter (1 of 4 stars). 2 submissions from 2 submitters: Pathogenic (1). 1 of the submissions does not count toward it. Last evaluated 2025-12-28.

Conditions:
Glycogen storage disease IXc (GSD9C). Also called: GSD IXc. Identifiers: Orphanet 264580, MedGen C2751643, MONDO:0013091, OMIM 613027.

Submissions (2):

Labcorp Genetics (formerly Invitae), Labcorp
Classification: Pathogenic for Glycogen storage disease IXc. Last evaluated: 2025-12-28. Review status: criteria provided, single submitter. Criteria: Invitae Variant Classification Sherloc (09022015). Collection method: clinical testing. Allele origin: germline.
Comment: This sequence change creates a premature translational stop signal (p.His89Profs*13) in the PHKG2 gene. It is expected to result in an absent or disrupted protein product. Loss-of-function variants in PHKG2 are known to be pathogenic (PMID: 8896567, 17689125, 21646031). This variant is present in population databases (rs764699954, gnomAD 0.004%). This premature translational stop signal has been observed in individual(s) with glycogen storage disease (PMID: 8896567). ClinVar contains an entry for this variant (Variation ID: 13625). For these reasons, this variant has been classified as Pathogenic.

OMIM
Classification: Pathogenic for GLYCOGEN STORAGE DISEASE IXc. Last evaluated: 1996-11-01. Review status: no assertion criteria provided. Collection method: literature only. Allele origin: germline. Not counted in ClinVar's aggregate classification.

Literature cited by the submitters: PubMed 8896567 (cited by Labcorp Genetics (formerly Invitae), Labcorp and OMIM); PubMed 17689125 (cited by Labcorp Genetics (formerly Invitae), Labcorp); PubMed 21646031 (cited by Labcorp Genetics (formerly Invitae), Labcorp); PubMed 6962066 (cited by OMIM).